The following is an entry in ClinVar:

NM_021831.6(AGBL5):c.2569T>C (p.Ser857Pro)

Gene: AGBL5 (AGBL carboxypeptidase 5; plus strand). Cytogenetic location: 2p23.3.
Variant type: single nucleotide variant.
Coding change: c.2569T>C on transcript NM_021831.6 (MANE Select); coding-DNA position 2569, T replaced by C.
Protein change: p.Ser857Pro; replaces serine 857 with proline.
Molecular consequence: missense variant. On other transcripts: non-coding transcript variant (2).
Genome position (GRCh38, 1-based): chr2:27,070,171, T>C. VCF-style: chr2-27070171-T-C. GRCh37 (hg19) VCF-style: chr2-27293039-T-C.
Other names: short protein forms S857P.
Identifiers: ClinVar variation 1009619 (VCV001009619.10), dbSNP rs1276590050, ClinGen allele CA346143077.

ClinVar aggregate classification (germline): Uncertain significance (1 of 4 stars; one submission).

Allele frequency attached by ClinVar (database versions not stated): gnomAD exomes below 0.00001 and 0.00001; TOPMed below 0.00001.
gnomAD v4.1: 3 of 1,614,230 alleles (0.00019%); highest among the groups gnomAD compares: Admixed American, 0.0017%; no homozygotes.

Submission:

Labcorp Genetics (formerly Invitae), Labcorp
Classification: Uncertain significance. Last evaluated: 2023-07-10. Review status: criteria provided, single submitter. Criteria: Invitae Variant Classification Sherloc (09022015). Collection method: clinical testing. Allele origin: germline.
Comment: In summary, the available evidence is currently insufficient to determine the role of this variant in disease. Therefore, it has been classified as a Variant of Uncertain Significance. Algorithms developed to predict the effect of missense changes on protein structure and function output the following: SIFT: "Not Available"; PolyPhen-2: "Benign"; Align-GVGD: "Not Available". The proline amino acid residue is found in multiple mammalian species, which suggests that this missense change does not adversely affect protein function. ClinVar contains an entry for this variant (Variation ID: 1009619). This variant has not been reported in the literature in individuals affected with AGBL5-related conditions. This variant is present in population databases (no rsID available, gnomAD 0.003%). This sequence change replaces serine, which is neutral and polar, with proline, which is neutral and non-polar, at codon 857 of the AGBL5 protein (p.Ser857Pro).